The following is an entry in ClinVar:

ClinVar aggregate classification (germline): Likely benign. Review status: criteria provided, multiple submitters, no conflicts (2 of 4 stars). 2 submissions from 2 submitters: Likely benign (2). Last evaluated 2025-01-18.

Conditions:
Emery-Dreifuss muscular dystrophy 5, autosomal dominant (EDMD5). Also called: EMERY-DREIFUSS MUSCULAR DYSTROPHY 5. Identifiers: Orphanet 261, MedGen C2751805, MONDO:0013072, OMIM 612999.

Allele frequency attached by ClinVar (database versions not stated): gnomAD exomes below 0.00001.
gnomAD v4.1: 6 of 1,614,140 alleles (0.00037%); highest among the groups gnomAD compares: Middle Eastern, 0.016%; no homozygotes.

Submissions (2):

Labcorp Genetics (formerly Invitae), Labcorp
Classification: Likely benign for Emery-Dreifuss muscular dystrophy 5, autosomal dominant. Last evaluated: 2025-01-18. Review status: criteria provided, single submitter. Criteria: Invitae Variant Classification Sherloc (09022015). Collection method: clinical testing. Allele origin: germline.

CeGaT Center for Human Genetics Tuebingen
Classification: Likely benign. Last evaluated: 2023-10-01. Review status: criteria provided, single submitter. Criteria: CeGaT Center For Human Genetics Tuebingen Variant Classification Criteria Version 2. Collection method: clinical testing. Allele origin: germline. Affected: yes. Observed: 1 variant allele.
Comment: SYNE2: BP4, BP7

NM_182914.3(SYNE2):c.17707T>C (p.Leu5903=)

Gene: SYNE2 (spectrin repeat containing nuclear envelope protein 2; plus strand). Cytogenetic location: 14q23.2.
Variant type: single nucleotide variant.
Coding change: c.17707T>C on transcript NM_182914.3 (MANE Select); coding-DNA position 17707, T replaced by C.
Protein change: p.Leu5903=; no amino-acid change (leucine 5903 retained).
Molecular consequence: synonymous variant.
Genome position (GRCh38, 1-based): chr14:64,186,574, T>C. VCF-style: chr14-64186574-T-C. GRCh37 (hg19) VCF-style: chr14-64653292-T-C.
Other names: c.17707T>C, p.Leu5903= (NM_015180.6).
Identifiers: ClinVar variation 2644306 (VCV002644306.26), dbSNP rs1373392346, ClinGen allele CA486718273.